The following is an entry in ClinVar:

NM_001005498.4(RHBDF2):c.239G>A (p.Arg80His)

Gene: RHBDF2 (rhomboid 5 homolog 2; minus strand). Cytogenetic location: 17q25.1.
Variant type: single nucleotide variant.
Coding change: c.239G>A on transcript NM_001005498.4 (MANE Select); coding-DNA position 239, G replaced by A.
Protein change: p.Arg80His; replaces arginine 80 with histidine.
Molecular consequence: missense variant. On other transcripts: non-coding transcript variant (3).
Genome position (GRCh38, 1-based): chr17:76,479,766, C>T on the plus strand (G>A on the coding strand, the complement: RHBDF2 is on the minus strand). VCF-style: chr17-76479766-C-T. GRCh37 (hg19) VCF-style: chr17-74475848-C-T.
Other names: c.239G>A, p.Arg80His (NM_001376228.1, NM_001376229.1, NM_001376230.1); c.326G>A, p.Arg109His (NM_024599.5); short protein forms R109H, R80H.
Identifiers: ClinVar variation 325464 (VCV000325464.12), dbSNP rs143449348, ClinGen allele CA8787438.

ClinVar aggregate classification (germline): Benign/Likely benign. Review status: criteria provided, multiple submitters, no conflicts (2 of 4 stars). 5 submissions from 5 submitters: Benign (2); Likely benign (2). 1 of the submissions does not count toward it. Last evaluated 2025-10-23.

Conditions:
RHBDF2-related disorder. Also called: RHBDF2-related condition.
Palmoplantar keratoderma-esophageal carcinoma syndrome (TOC). Also called: PALMOPLANTAR KERATODERMA WITH ESOPHAGEAL CANCER; KERATOSIS PALMARIS ET PLANTARIS WITH ESOPHAGEAL CANCER; Tylosis with Esophageal Cancer. Identifiers: Orphanet 2198, MedGen C1835664, MONDO:0007856, OMIM 148500.

Allele frequency attached by ClinVar (database versions not stated): gnomAD 0.00013; TOPMed 0.00018; gnomAD exomes 0.00022; ExAC 0.00023; ESP Exome Variant Server 0.00023.
gnomAD v4.1: 243 of 1,612,140 alleles (0.015%); highest among the groups gnomAD compares: Middle Eastern, 0.19%; 3 homozygotes.

Submissions (5):

Labcorp Genetics (formerly Invitae), Labcorp
Classification: Likely benign. Last evaluated: 2025-10-23. Review status: criteria provided, single submitter. Criteria: Invitae Variant Classification Sherloc (09022015). Collection method: clinical testing. Allele origin: germline.

Blueprint Genetics
Classification: Likely benign. Last evaluated: 2024-11-25. Review status: criteria provided, single submitter. Criteria: ACMG Guidelines, 2015. Collection method: clinical testing. Allele origin: germline.

Illumina Laboratory Services, Illumina
Classification: Benign for Palmoplantar keratoderma-esophageal carcinoma syndrome. Last evaluated: 2018-01-12. Review status: criteria provided, single submitter. Criteria: ICSL Variant Classification Criteria 13 December 2019. Collection method: clinical testing. Allele origin: germline.
Comment: This variant was observed in the ICSL laboratory as part of a predisposition screen in an ostensibly healthy population. It had not been previously curated by ICSL or reported in the Human Gene Mutation Database (HGMD: prior to June 1st, 2018), and was therefore a candidate for classification through an automated scoring system. Utilizing variant allele frequency, disease prevalence and penetrance estimates, and inheritance mode, an automated score was calculated to assess if this variant is too frequent to cause the disease. Based on the score and internal cut-off values, a variant classified as benign is not then subjected to further curation. The score for this variant resulted in a classification of benign for this disease.

Breakthrough Genomics
Classification: Benign. Review status: criteria provided, single submitter. Criteria: ACMG Guidelines, 2015. Collection method: not provided. Allele origin: germline. Inheritance: Autosomal dominant inheritance. Affected: yes.

PreventionGenetics, part of Exact Sciences
Classification: Likely benign for RHBDF2-related condition. Last evaluated: 2019-07-10. Review status: no assertion criteria provided. Collection method: clinical testing. Allele origin: germline. Not counted in ClinVar's aggregate classification.
Comment: This variant is classified as likely benign based on ACMG/AMP sequence variant interpretation guidelines (Richards et al. 2015 PMID: 25741868, with internal and published modifications).